The following is an entry in ClinVar:

NM_001365536.1(SCN9A):c.381dup (p.Phe128fs)

Gene: SCN9A (sodium voltage-gated channel alpha subunit 9; minus strand). Cytogenetic location: 2q24.3.
Variant type: Duplication.
Coding change: c.381dup on transcript NM_001365536.1 (MANE Select); coding-DNA position 381, one base duplicated (A; older notation c.381dupA).
Protein change: p.Phe128fs; shifts the reading frame from phenylalanine 128.
Molecular consequence: frameshift variant.
Genome position (GRCh38, 1-based): chr2:166,306,596, T duplicated on the plus strand (A on the coding strand, the reverse complement: SCN9A is on the minus strand). VCF-style (leftmost placement, unchanged base first): chr2-166306595-A-AT. GRCh37 (hg19) VCF-style: chr2-167163105-A-AT.
Other names: c.381dup, p.Phe128Ilefs (NM_002977.4); short protein forms F128fs.
Identifiers: ClinVar variation 2056928 (VCV002056928.4), dbSNP rs747362082, ClinGen allele CA1944802.

ClinVar aggregate classification (germline): Pathogenic (1 of 4 stars; one submission).

Conditions:
Generalized epilepsy with febrile seizures plus, type 7 (GEFSP7). Also called: GEFS+, TYPE 7. Identifiers: Orphanet 36387, MedGen C2751778, MONDO:0013470, OMIM 613863.
Neuropathy, hereditary sensory and autonomic, type 2A (HSAN2A). Also called: MORVAN DISEASE; WNK1-Related HSAN2 (HSAN2A); NEUROPATHY, CONGENITAL SENSORY; NEUROPATHY, HEREDITARY SENSORY RADICULAR, AUTOSOMAL RECESSIVE; NEUROPATHY, HEREDITARY SENSORY, TYPE IIA; NEUROPATHY, PROGRESSIVE SENSORY, OF CHILDREN. Identifiers: Orphanet 970, MedGen C2752089, MONDO:0024309, OMIM 201300.

Allele frequency attached by ClinVar (database versions not stated): gnomAD exomes 0.00001; ExAC 0.00003.

Submission:

Labcorp Genetics (formerly Invitae), Labcorp
Classification: Pathogenic for Neuropathy, hereditary sensory and autonomic, type 2A; Generalized epilepsy with febrile seizures plus, type 7. Last evaluated: 2024-10-28. Review status: criteria provided, single submitter. Criteria: Invitae Variant Classification Sherloc (09022015). Collection method: clinical testing. Allele origin: germline.
Comment: This sequence change creates a premature translational stop signal (p.Phe128Ilefs*20) in the SCN9A gene. It is expected to result in an absent or disrupted protein product. Loss-of-function variants in SCN9A are known to be pathogenic (PMID: 17470132, 19304393). This variant is present in population databases (rs747362082, gnomAD 0.004%). This variant has not been reported in the literature in individuals affected with SCN9A-related conditions. ClinVar contains an entry for this variant (Variation ID: 2056928). Algorithms developed to predict the effect of sequence changes on RNA splicing suggest that this variant may disrupt the consensus splice site. For these reasons, this variant has been classified as Pathogenic.

Literature cited by the submitters: PubMed 17470132; PubMed 19304393.